The following is an entry in ClinVar:

ClinVar aggregate classification (germline): Pathogenic/Likely pathogenic. Review status: criteria provided, multiple submitters, no conflicts (2 of 4 stars). 2 submissions from 2 submitters: Pathogenic (1); Likely pathogenic (1). Last evaluated 2024-06-03.

Conditions:
Vitamin D hydroxylation-deficient rickets, type 1B. Also called: Rickets due to Defect in Vitamin D 25-hydroxylation; VITAMIN D-DEPENDENT RICKETS, TYPE 1B; PSEUDOVITAMIN D3 DEFICIENCY RICKETS DUE TO 25-HYDROXYLASE DEFICIENCY. Identifiers: Orphanet 289157, MedGen C1838657, MONDO:0010810, OMIM 600081.

Allele frequency attached by ClinVar (database versions not stated): gnomAD 0.00001; gnomAD exomes 0.00001.
gnomAD v4.1: 5 of 1,613,360 alleles (0.00031%); highest among the groups gnomAD compares: Admixed American, 0.0017%; no homozygotes.

Submissions (2):

Fulgent Genetics
Classification: Likely pathogenic for Vitamin D hydroxylation-deficient rickets, type 1B. Last evaluated: 2024-06-03. Review status: criteria provided, single submitter. Criteria: ACMG Guidelines, 2015. Collection method: clinical testing. Allele origin: germline.

Labcorp Genetics (formerly Invitae), Labcorp
Classification: Pathogenic. Last evaluated: 2022-05-04. Review status: criteria provided, single submitter. Criteria: Invitae Variant Classification Sherloc (09022015). Collection method: clinical testing. Allele origin: germline.
Comment: This sequence change creates a premature translational stop signal (p.Glu97*) in the CYP2R1 gene. It is expected to result in an absent or disrupted protein product. Loss-of-function variants in CYP2R1 are known to be pathogenic (PMID: 15128933, 22855339, 25942481, 33715104). For these reasons, this variant has been classified as Pathogenic. Algorithms developed to predict the effect of sequence changes on RNA splicing suggest that this variant may disrupt the consensus splice site. This variant has not been reported in the literature in individuals affected with CYP2R1-related conditions. This variant is present in population databases (no rsID available, gnomAD 0.0009%).

Literature cited by the submitters: PubMed 15128933 (cited by Labcorp Genetics (formerly Invitae), Labcorp); PubMed 22855339 (cited by Labcorp Genetics (formerly Invitae), Labcorp); PubMed 25942481 (cited by Labcorp Genetics (formerly Invitae), Labcorp); PubMed 33715104 (cited by Labcorp Genetics (formerly Invitae), Labcorp).

NM_024514.5(CYP2R1):c.289G>T (p.Glu97Ter)

Genes: CYP2R1 (cytochrome P450 family 2 subfamily R member 1; minus strand), PDE3B (phosphodiesterase 3B; plus strand). Cytogenetic location: 11p15.2.
Variant type: single nucleotide variant.
Coding change: c.289G>T on transcript NM_024514.5 (MANE Select); coding-DNA position 289, G replaced by T.
Protein change: p.Glu97Ter; replaces glutamic acid 97 with a stop codon.
Molecular consequence: nonsense. On other transcripts: 5 prime UTR variant (13), non-coding transcript variant (12).
Genome position (GRCh38, 1-based): chr11:14,885,854, C>A on the plus strand (G>T on the coding strand, the complement: CYP2R1 is on the minus strand). VCF-style: chr11-14885854-C-A. GRCh37 (hg19) VCF-style: chr11-14907400-C-A.
Other names: c.-57G>T (NM_001377214.1, NM_001377215.1, NM_001377216.1 and 6 more transcripts); c.127G>T, p.Glu43Ter (NM_001377217.1); c.-2G>T (NM_001400562.1, NM_001400563.1, NM_001400564.1 and 1 more transcripts); c.145G>T, p.Glu49Ter (NM_001400567.1); c.244G>T, p.Glu82Ter (NM_001400568.1); short protein forms E49*, E97*, E82*, E43*.
Identifiers: ClinVar variation 1950218 (VCV001950218.6), dbSNP rs1555014321, ClinGen allele CA379733485.
Genomic context (GRCh38, chr11:14,885,854, plus strand): 5'-TCATGAATAAAGGAAGGCATGGTCTGTCTGCAAAAATTTCGCTTTGATGAACAAGGCATT[C>A]CTTTACTACATCATAGCCATTTAGAACCACAGTTGATATGCCTCCAAGATCTAAACTGAA-3'